The following is an entry in ClinVar:

NM_032043.3(BRIP1):c.1666_1669dup (p.Ser557fs)

Gene: BRIP1 (BRCA1 interacting DNA helicase 1; minus strand). Cytogenetic location: 17q23.2.
Variant type: Duplication.
Coding change: c.1666_1669dup on transcript NM_032043.3 (MANE Select); coding-DNA positions 1666 to 1669, 4 bases duplicated (TACT; older notation c.1666_1669dupTACT).
Protein change: p.Ser557fs; shifts the reading frame from serine 557.
Molecular consequence: frameshift variant.
Genome position (GRCh38, 1-based): chr17:61,780,965-61,780,968, AGTA duplicated on the plus strand (TACT on the coding strand, the reverse complement: BRIP1 is on the minus strand); duplicating any 4 consecutive bases within chr17:61,780,965-61,780,971 gives the same sequence; the c. name uses the placement nearest the transcript's 3' end. VCF-style (leftmost placement, unchanged base first): chr17-61780964-G-GAGTA. GRCh37 (hg19) VCF-style: chr17-59858325-G-GAGTA.
Other names: short protein forms S557fs.
Identifiers: ClinVar variation 861084 (VCV000861084.8), dbSNP rs2077611091, ClinGen allele CA916081906.

ClinVar aggregate classification (germline): Pathogenic (1 of 4 stars; one submission).

Conditions:
Fanconi anemia complementation group J. Also called: BRIP1-Related Fanconi Anemia. Identifiers: Orphanet 84, MedGen C1836860, MONDO:0012187, OMIM 609054.
Familial cancer of breast. Also called: hereditary breast carcinoma; BREAST CANCER, FAMILIAL; Hereditary breast cancer. Identifiers: Orphanet 227535, MedGen C0346153, MONDO:0016419, OMIM 114480. Disease mechanism: loss of function.

Submission:

Labcorp Genetics (formerly Invitae), Labcorp
Classification: Pathogenic for Familial cancer of breast; Fanconi anemia complementation group J. Last evaluated: 2023-07-10. Review status: criteria provided, single submitter. Criteria: Invitae Variant Classification Sherloc (09022015). Collection method: clinical testing. Allele origin: germline.
Comment: This variant is not present in population databases (gnomAD no frequency). For these reasons, this variant has been classified as Pathogenic. ClinVar contains an entry for this variant (Variation ID: 861084). This variant has not been reported in the literature in individuals affected with BRIP1-related conditions. This sequence change creates a premature translational stop signal (p.Ser557Leufs*8) in the BRIP1 gene. It is expected to result in an absent or disrupted protein product. Loss-of-function variants in BRIP1 are known to be pathogenic (PMID: 16116423, 17033622, 21964575).

Literature cited by the submitters: PubMed 16116423; PubMed 17033622; PubMed 21964575.